The following is an entry in ClinVar:

ClinVar aggregate classification (germline): Benign (1 of 4 stars; one submission).

Allele frequency attached by ClinVar (database versions not stated): 1000 Genomes Project 0.00060; 1000 Genomes Project 30x 0.00078; TOPMed 0.00093; gnomAD 0.00111.
gnomAD v4.1: 854 of 706,320 alleles (0.12%); highest among the groups gnomAD compares: Middle Eastern, 0.16%; no homozygotes.

Submission:

CeGaT Center for Human Genetics Tuebingen
Classification: Benign. Last evaluated: 2026-04-01. Review status: criteria provided, single submitter. Criteria: CeGaT Center For Human Genetics Tuebingen Variant Classification Criteria Version 2. Collection method: clinical testing. Allele origin: germline. Affected: yes. Observed: 5 variant alleles.
Comment: BRD4: BS1, BS2

NM_001379291.1(BRD4):c.2159-4308C>G

Gene: BRD4 (bromodomain containing 4; minus strand). Cytogenetic location: 19p13.12.
Variant type: single nucleotide variant.
Coding change: c.2159-4308C>G on transcript NM_001379291.1 (MANE Select); 4308 bases into the intron before coding-DNA position 2159, C replaced by G.
Molecular consequence: intron variant. On other transcripts: 3 prime UTR variant (2).
Genome position (GRCh38, 1-based): chr19:15,249,070, G>C on the plus strand (C>G on the coding strand, the complement: BRD4 is on the minus strand). VCF-style: chr19-15249070-G-C. GRCh37 (hg19) VCF-style: chr19-15359881-G-C.
Other names: c.*210C>G (NM_001379292.1, NM_014299.3); c.2159-4308C>G (NM_058243.3).
Identifiers: ClinVar variation 2649463 (VCV002649463.24), dbSNP rs530872692, ClinGen allele CA305795457.